The following is an entry in ClinVar:

ClinVar aggregate classification (germline): Uncertain significance. Review status: criteria provided, single submitter (1 of 4 stars). 2 submissions from 2 submitters: Uncertain significance (1). 1 of the submissions does not count toward it. Last evaluated 2021-09-01.

Conditions:
Hereditary spastic paraplegia 49 (HSAN9). Also called: Spastic paraplegia 49, autosomal recessive; NEUROPATHY, HEREDITARY SENSORY AND AUTONOMIC, TYPE IX, WITH DEVELOPMENTAL DELAY; TECPR2-Related Hereditary Sensory and Autonomic Neuropathy with Intellectual Disability. Identifiers: Orphanet 320385, MedGen C5190860, MONDO:0014016, OMIM 615031.

Submissions (2):

Labcorp Genetics (formerly Invitae), Labcorp
Classification: Uncertain significance for Hereditary spastic paraplegia 49. Last evaluated: 2021-09-01. Review status: criteria provided, single submitter. Criteria: Invitae Variant Classification Sherloc (09022015). Collection method: clinical testing. Allele origin: germline.
Comment: This variant, c.2010_2012del, results in the deletion of 1 amino acid(s) of the TECPR2 protein (p.Asp670del), but otherwise preserves the integrity of the reading frame. This variant is not present in population databases (ExAC no frequency). This variant has not been reported in the literature in individuals affected with TECPR2-related conditions. Experimental studies and prediction algorithms are not available or were not evaluated, and the functional significance of this variant is currently unknown. In summary, the available evidence is currently insufficient to determine the role of this variant in disease. Therefore, it has been classified as a Variant of Uncertain Significance.

Natera, Inc.
Classification: Uncertain significance for Autosomal recessive spastic paraplegia type 49. Last evaluated: 2021-08-04. Review status: no assertion criteria provided. Collection method: clinical testing. Allele origin: germline. Not counted in ClinVar's aggregate classification.

NM_014844.5(TECPR2):c.2007TGA[1] (p.Asp670del)

Gene: TECPR2 (tectonin beta-propeller repeat containing 2; plus strand). Cytogenetic location: 14q32.31.
Variant type: Microsatellite.
Coding change: c.2007TGA[1] on transcript NM_014844.5 (MANE Select); one copy of the 3-base unit TGA starting at c.2007; the reference has two copies in a row; one copy, 3 bases deleted; also written c.2010_2012del.
Protein change: p.Asp670del; deletes aspartic acid 670.
Molecular consequence: inframe deletion.
Genome position (GRCh38, 1-based): chr14:102,434,827-102,434,829, TGA deleted; deleting any 3 consecutive bases within chr14:102,434,824-102,434,829 gives the same sequence; the position shown is the placement nearest the transcript's 3' end. VCF-style (leftmost placement, unchanged base first): chr14-102434823-CTGA-C. GRCh37 (hg19) VCF-style: chr14-102901160-CTGA-C.
Other names: c.2010_2012del (NM_014844.5); c.2007TGA[1], p.Asp670del (NM_001172631.3); short protein forms D670del.
Identifiers: ClinVar variation 647491 (VCV000647491.9), dbSNP rs1340395562, ClinGen allele CA703212157.